The following is an entry in ClinVar:

NM_001354604.2(MITF):c.736G>A (p.Asp246Asn)

Gene: MITF (melanocyte inducing transcription factor; plus strand). Cytogenetic location: 3p13.
Variant type: single nucleotide variant.
Coding change: c.736G>A on transcript NM_001354604.2 (MANE Select); coding-DNA position 736, G replaced by A.
Protein change: p.Asp246Asn; replaces aspartic acid 246 with asparagine.
Molecular consequence: missense variant.
Genome position (GRCh38, 1-based): chr3:69,941,305, G>A. VCF-style: chr3-69941305-G-A. GRCh37 (hg19) VCF-style: chr3-69990456-G-A.
Other names: c.415G>A, p.Asp139Asn (NM_000248.4, NM_198158.3); c.580G>A, p.Asp194Asn (NM_001184967.2, NM_001354608.2); c.733G>A, p.Asp245Asn (NM_001354605.2, NM_001354606.2, NM_006722.3); c.685G>A, p.Asp229Asn (NM_001354607.2); c.736G>A, p.Asp246Asn (NM_198159.3); c.688G>A, p.Asp230Asn (NM_198177.3); c.247G>A, p.Asp83Asn (NM_198178.3); c.415G>A (NM_000248.3); short protein forms D139N, D246N, D194N, D230N, D245N, D83N, D229N.
Identifiers: ClinVar variation 221940 (VCV000221940.2), dbSNP rs869025259, ClinGen allele CA351589.
Genomic context (GRCh38, chr3:69,941,305, plus strand): 5'-GTAATCGATGACATCATTAGCCTAGAATCAAGTTATAATGAGGAAATCTTGGGCTTGATG[G>A]ATCCTGCTTTGCAAATGGCAAATACGGTATTGATAACCTTTTTTTAAGTAGAAAATCTTG-3'
Protein context (NP_001341533.1, residues 236-256): SYNEEILGLM[Asp246Asn]PALQMANTLP

ClinVar aggregate classification (germline): Conflicting classifications of pathogenicity. Review status: criteria provided, conflicting classifications (1 of 4 stars). 2 submissions from 2 submitters: Uncertain significance (1); Likely benign (1). Last evaluated 2023-07-06.

Conditions:
Anophthalmia-microphthalmia syndrome. Also called: Anophthalmia/Microphthalmia; Anophthalmia - microphthalmia. Identifiers: Orphanet 98555, MedGen C5680330, MONDO:0020147.

Allele frequency attached by ClinVar (database versions not stated): TOPMed 0.00001.

Submissions (2):

GeneDx
Classification: Uncertain significance. Last evaluated: 2023-07-06. Review status: criteria provided, single submitter. Criteria: GeneDx Variant Classification Process June 2021. Collection method: clinical testing. Allele origin: germline. Affected: yes.
Comment: Not observed at significant frequency in large population cohorts (gnomAD); In silico analysis supports that this missense variant has a deleterious effect on protein structure/function; Observed in an individual with sporadic ocular developmental anomalies (ODA) (Chassaing et al., 2016); This variant is associated with the following publications: (PMID: 26893459, Naveed2017[article])

Paul Sabatier University EA-4555, Paul Sabatier University
Classification: Likely benign. Last evaluated: 2013-01-01. Review status: criteria provided, single submitter. Criteria: Chassaing et al. (Genome Res. 2016). Collection method: clinical testing. Allele origin: inherited. Affected: yes. Observed: 1 heterozygote.